The following is an entry in ClinVar:

NM_001201380.3(CNTNAP3B):c.1992G>T (p.Gly664=)

Gene: CNTNAP3B (contactin associated protein family member 3B; minus strand). Cytogenetic location: 9p11.2.
Variant type: single nucleotide variant.
Coding change: c.1992G>T on transcript NM_001201380.3 (MANE Select); coding-DNA position 1992, G replaced by T.
Protein change: p.Gly664=; no amino-acid change (glycine 664 retained).
Molecular consequence: synonymous variant.
Genome position (GRCh38, 1-based): chr9:41,953,271, C>A on the plus strand (G>T on the coding strand, the complement: CNTNAP3B is on the minus strand). VCF-style: chr9-41953271-C-A. GRCh37 (hg19) VCF-style: chr9-43861118-G-T.
Identifiers: ClinVar variation 2659220 (VCV002659220.24), dbSNP rs767276270, ClinGen allele CA5068675.
Genomic context (GRCh38, chr9:41,953,271, plus strand): 5'-GCAGCGCAGAGCCAGCCGCTGCTCGCAGCGCTCCGCCAGGTTCACCGCGGCCCGCAGCTG[C>A]CCCGCGCCCGCTGCGTACGCGAAGGACACAGCCGAGAGCGGGTGCCCGCTGGGGGCACCT-3'
Protein context (NP_001188309.2, residues 654-674): AVSFAYAAGA[Gly664=]QLRAAVNLAE

ClinVar aggregate classification (germline): Likely benign (1 of 4 stars; one submission).

Allele frequency attached by ClinVar (database versions not stated): gnomAD 0.00064; ExAC 0.00085.
gnomAD v4.1: 2,009 of 1,527,090 alleles (0.13%); highest among the groups gnomAD compares: Non-Finnish European, 0.17%; no homozygotes.

Submission:

CeGaT Center for Human Genetics Tuebingen
Classification: Likely benign. Last evaluated: 2023-03-01. Review status: criteria provided, single submitter. Criteria: CeGaT Center For Human Genetics Tuebingen Variant Classification Criteria Version 2. Collection method: clinical testing. Allele origin: germline. Affected: yes. Observed: 1 variant allele.
Comment: CNTNAP3B: BP4, BP7